The following is an entry in ClinVar:

NM_032898.5(CEP19):c.332A>G (p.Lys111Arg)

Gene: CEP19 (centrosomal protein 19; minus strand). Cytogenetic location: 3q29.
Variant type: single nucleotide variant.
Coding change: c.332A>G on transcript NM_032898.5 (MANE Select); coding-DNA position 332, A replaced by G.
Protein change: p.Lys111Arg; replaces lysine 111 with arginine.
Molecular consequence: missense variant.
Genome position (GRCh38, 1-based): chr3:196,707,711, T>C on the plus strand (A>G on the coding strand, the complement: CEP19 is on the minus strand). VCF-style: chr3-196707711-T-C. GRCh37 (hg19) VCF-style: chr3-196434582-T-C.
Other names: c.227A>G, p.Lys76Arg (NM_001379468.1); c.332A>G, p.Lys111Arg (NM_001379469.1, NM_001379470.1); c.344A>G (NM_032898.3); short protein forms K111R, K76R.
Identifiers: ClinVar variation 1058291 (VCV001058291.5), dbSNP rs1477011464, ClinGen allele CA355634256.

ClinVar aggregate classification (germline): Uncertain significance. Review status: criteria provided, multiple submitters, no conflicts (2 of 4 stars). 2 submissions from 2 submitters: Uncertain significance (2). Last evaluated 2025-06-07.

Allele frequency attached by ClinVar (database versions not stated): gnomAD exomes 0.00001 and below 0.00001; TOPMed 0.00002; gnomAD 0.00005 and 0.00006.
gnomAD v4.1: 14 of 1,614,088 alleles (0.00087%); highest among the groups gnomAD compares: African/African-American, 0.016%; no homozygotes.

Submissions (2):

Ambry Genetics
Classification: Uncertain significance. Last evaluated: 2025-06-07. Review status: criteria provided, single submitter. Criteria: Ambry Variant Classification Scheme 2023. Collection method: clinical testing. Allele origin: germline.

Labcorp Genetics (formerly Invitae), Labcorp
Classification: Uncertain significance. Last evaluated: 2024-02-17. Review status: criteria provided, single submitter. Criteria: Invitae Variant Classification Sherloc (09022015). Collection method: clinical testing. Allele origin: germline.
Comment: This sequence change replaces lysine, which is basic and polar, with arginine, which is basic and polar, at codon 115 of the CEP19 protein (p.Lys115Arg). This variant is present in population databases (no rsID available, gnomAD 0.004%). This variant has not been reported in the literature in individuals affected with CEP19-related conditions. ClinVar contains an entry for this variant (Variation ID: 1058291). Algorithms developed to predict the effect of missense changes on protein structure and function output the following: SIFT: "Not Available"; PolyPhen-2: "Benign"; Align-GVGD: "Not Available". The arginine amino acid residue is found in multiple mammalian species, which suggests that this missense change does not adversely affect protein function. In summary, the available evidence is currently insufficient to determine the role of this variant in disease. Therefore, it has been classified as a Variant of Uncertain Significance.